The following is an entry in ClinVar:

NM_001370466.1(NOD2):c.1675G>T (p.Val559Leu)

Gene: NOD2 (nucleotide binding oligomerization domain containing 2; plus strand). Cytogenetic location: 16q12.1.
Variant type: single nucleotide variant.
Coding change: c.1675G>T on transcript NM_001370466.1 (MANE Select); coding-DNA position 1675, G replaced by T.
Protein change: p.Val559Leu; replaces valine 559 with leucine.
Molecular consequence: missense variant. On other transcripts: non-coding transcript variant (1).
Genome position (GRCh38, 1-based): chr16:50,711,667, G>T. VCF-style: chr16-50711667-G-T. GRCh37 (hg19) VCF-style: chr16-50745578-G-T.
Other names: c.1675G>T, p.Val559Leu (NM_001293557.2); c.1756G>T, p.Val586Leu (NM_022162.3); short protein forms V559L, V586L.
Identifiers: ClinVar variation 2005371 (VCV002005371.4), dbSNP rs2506421643, ClinGen allele CA395869563.

ClinVar aggregate classification (germline): Uncertain significance (1 of 4 stars; one submission).

Conditions:
Blau syndrome (BLAUS). Also called: ARTHROCUTANEOUVEAL GRANULOMATOSIS; GRANULOMATOSIS, FAMILIAL JUVENILE SYSTEMIC; GRANULOMATOSIS, FAMILIAL, BLAU TYPE; GRANULOMATOUS INFLAMMATORY ARTHRITIS, DERMATITIS, AND UVEITIS, FAMILIAL; JABS SYNDROME. Identifiers: Orphanet 90340, MedGen C5201146, MONDO:0008523, OMIM 186580.
Regional enteritis. Also called: Enteritis, Granulomatous. Identifiers: MedGen C0678202, MeSH D003424.

Submission:

Labcorp Genetics (formerly Invitae), Labcorp
Classification: Uncertain significance for Regional enteritis; Blau syndrome. Last evaluated: 2023-02-22. Review status: criteria provided, single submitter. Criteria: Invitae Variant Classification Sherloc (09022015). Collection method: clinical testing. Allele origin: germline.
Comment: In summary, the available evidence is currently insufficient to determine the role of this variant in disease. Therefore, it has been classified as a Variant of Uncertain Significance. Advanced modeling of protein sequence and biophysical properties (such as structural, functional, and spatial information, amino acid conservation, physicochemical variation, residue mobility, and thermodynamic stability) performed at Invitae indicates that this missense variant is not expected to disrupt NOD2 protein function. This variant has not been reported in the literature in individuals affected with NOD2-related conditions. This variant is not present in population databases (gnomAD no frequency). This sequence change replaces valine, which is neutral and non-polar, with leucine, which is neutral and non-polar, at codon 586 of the NOD2 protein (p.Val586Leu).